The following is an entry in ClinVar:

ClinVar aggregate classification (germline): Benign. Review status: criteria provided, multiple submitters, no conflicts (2 of 4 stars). 9 submissions from 9 submitters: Benign (7). 2 of the submissions do not count toward it. Last evaluated 2026-02-04.

Conditions:
Osteogenesis imperfecta type 12 (OI12). Also called: OI, TYPE XII; Osteogenesis imperfecta, type XII. Identifiers: Orphanet 666, MedGen C3151433, MONDO:0013460, OMIM 613849.

Allele frequency attached by ClinVar (database versions not stated): TOPMed 0.95072; ESP Exome Variant Server 0.95229; gnomAD 0.95333 and 0.95711; 1000 Genomes Project 30x 0.95878; 1000 Genomes Project 0.96126; ExAC 0.98664; gnomAD exomes 0.98879.

Submissions (9):

Labcorp Genetics (formerly Invitae), Labcorp
Classification: Benign. Last evaluated: 2026-02-04. Review status: criteria provided, single submitter. Criteria: Invitae Variant Classification Sherloc (09022015). Collection method: clinical testing. Allele origin: germline.

Blueprint Genetics
Classification: Benign. Last evaluated: 2024-11-27. Review status: criteria provided, single submitter. Criteria: ACMG Guidelines, 2015. Collection method: clinical testing. Allele origin: germline.

Mayo Clinic Laboratories, Mayo Clinic
Classification: Benign. Last evaluated: 2022-04-26. Review status: criteria provided, single submitter. Criteria: ACMG Guidelines, 2015. Collection method: clinical testing. Allele origin: germline. Observed: 128 variant alleles.

Genome-Nilou Lab
Classification: Benign for Osteogenesis imperfecta type 12. Last evaluated: 2021-07-15. Review status: criteria provided, single submitter. Criteria: ACMG Guidelines, 2015. Collection method: clinical testing. Allele origin: germline. Affected: no.

GeneDx
Classification: Benign. Last evaluated: 2017-06-09. Review status: criteria provided, single submitter. Criteria: GeneDx Variant Classification (06012015). Collection method: clinical testing. Allele origin: germline. Affected: yes.
Comment: This variant is considered likely benign or benign based on one or more of the following criteria: it is a conservative change, it occurs at a poorly conserved position in the protein, it is predicted to be benign by multiple in silico algorithms, and/or has population frequency not consistent with disease.

Eurofins Ntd Llc (ga)
Classification: Benign. Last evaluated: 2016-01-20. Review status: criteria provided, single submitter. Criteria: EGL Classification Definitions 2015. Collection method: clinical testing. Allele origin: germline. Observed: 4 variant alleles, 4 homozygotes.

Breakthrough Genomics
Classification: Benign. Review status: criteria provided, single submitter. Criteria: ACMG Guidelines, 2015. Collection method: not provided. Allele origin: germline. Inheritance: Autosomal recessive inheritance. Affected: yes.

Genome Diagnostics Laboratory, Amsterdam University Medical Center
Classification: Benign for Osteogenesis imperfecta type 12. Last evaluated: 2014-11-19. Review status: no assertion criteria provided. Criteria: ACGS Guidelines, 2013. Collection method: clinical testing. Allele origin: germline. Affected: yes. Study: VKGL Data-share Consensus. Not counted in ClinVar's aggregate classification.

Diagnostic Laboratory, Department of Genetics, University Medical Center Groningen
Classification: Benign for Osteogenesis imperfecta type 12. Review status: no assertion criteria provided. Collection method: clinical testing. Allele origin: germline. Affected: yes. Study: VKGL Data-share Consensus. Not counted in ClinVar's aggregate classification.

NM_001173467.3(SP7):c.1128T>C (p.His376=)

Gene: SP7 (Sp7 transcription factor; minus strand). Cytogenetic location: 12q13.13.
Variant type: single nucleotide variant.
Coding change: c.1128T>C on transcript NM_001173467.3 (MANE Select); coding-DNA position 1128, T replaced by C.
Protein change: p.His376=; no amino-acid change (histidine 376 retained).
Molecular consequence: synonymous variant.
Genome position (GRCh38, 1-based): chr12:53,328,314, A>G on the plus strand (T>C on the coding strand, the complement: SP7 is on the minus strand). VCF-style: chr12-53328314-A-G. GRCh37 (hg19) VCF-style: chr12-53722098-A-G.
Other names: p.His376=; c.1074T>C, p.His358= (NM_001300837.2); c.1128T>C, p.His376= (NM_152860.2).
Identifiers: ClinVar variation 285779 (VCV000285779.18), dbSNP rs7138938, ClinGen allele CA6599454.